The following is an entry in ClinVar:

ClinVar aggregate classification (germline): Uncertain significance (1 of 4 stars; one submission).

Allele frequency attached by ClinVar (database versions not stated): gnomAD exomes below 0.00001; ExAC 0.00001; gnomAD 0.00001; TOPMed 0.00002; 1000 Genomes Project 30x 0.00016; 1000 Genomes Project 0.00020.
gnomAD v4.1: 3 of 1,614,102 alleles (0.00019%); highest among the groups gnomAD compares: African/African-American, 0.0027%; no homozygotes.

Submission:

Labcorp Genetics (formerly Invitae), Labcorp
Classification: Uncertain significance. Last evaluated: 2023-12-11. Review status: criteria provided, single submitter. Criteria: Invitae Variant Classification Sherloc (09022015). Collection method: clinical testing. Allele origin: germline.
Comment: This sequence change replaces valine, which is neutral and non-polar, with isoleucine, which is neutral and non-polar, at codon 1087 of the CACNA1D protein (p.Val1087Ile). This variant is present in population databases (rs532429425, gnomAD 0.007%). This variant has not been reported in the literature in individuals affected with CACNA1D-related conditions. ClinVar contains an entry for this variant (Variation ID: 1929325). Advanced modeling of protein sequence and biophysical properties (such as structural, functional, and spatial information, amino acid conservation, physicochemical variation, residue mobility, and thermodynamic stability) performed at Invitae indicates that this missense variant is not expected to disrupt CACNA1D protein function with a negative predictive value of 80%. In summary, the available evidence is currently insufficient to determine the role of this variant in disease. Therefore, it has been classified as a Variant of Uncertain Significance.

NM_001128840.3(CACNA1D):c.3199G>A (p.Val1067Ile)

Gene: CACNA1D (calcium voltage-gated channel subunit alpha1 D; plus strand). Cytogenetic location: 3p21.1.
Variant type: single nucleotide variant.
Coding change: c.3199G>A on transcript NM_001128840.3 (MANE Select); coding-DNA position 3199, G replaced by A.
Protein change: p.Val1067Ile; replaces valine 1067 with isoleucine.
Molecular consequence: missense variant.
Genome position (GRCh38, 1-based): chr3:53,747,333, G>A. VCF-style: chr3-53747333-G-A. GRCh37 (hg19) VCF-style: chr3-53781360-G-A.
Other names: c.3259G>A, p.Val1087Ile (NM_000720.4); c.3199G>A, p.Val1067Ile (NM_001128839.3); short protein forms V1067I, V1087I.
Identifiers: ClinVar variation 1929325 (VCV001929325.5), dbSNP rs532429425, ClinGen allele CA2454495.